The following is an entry in ClinVar:

NM_006218.4(PIK3CA):c.1121A>G (p.Gln374Arg)

Gene: PIK3CA (phosphatidylinositol-4,5-bisphosphate 3-kinase catalytic subunit alpha; plus strand). Cytogenetic location: 3q26.32.
Variant type: single nucleotide variant.
Coding change: c.1121A>G on transcript NM_006218.4 (MANE Select); coding-DNA position 1121, A replaced by G.
Protein change: p.Gln374Arg; replaces glutamine 374 with arginine.
Molecular consequence: missense variant.
Genome position (GRCh38, 1-based): chr3:179,204,564, A>G. VCF-style: chr3-179204564-A-G. GRCh37 (hg19) VCF-style: chr3-178922352-A-G.
Other names: short protein forms Q374R.
Identifiers: ClinVar variation 4861881 (VCV004861881.1).
Genomic context (GRCh38, chr3:179,204,564, plus strand): 5'-TCTATGTTCGAACAGGTATCTACCATGGAGGAGAACCCTTATGTGACAATGTGAACACTC[A>G]AAGAGTACCTTGTTCCAATCCCAGGTAAGGAAGTATATAGATTTATATTTCCAAAGGTTA-3'
Protein context (NP_006209.2, residues 364-384): GEPLCDNVNT[Gln374Arg]RVPCSNPRWN

ClinVar aggregate classification (germline): Uncertain significance (1 of 4 stars; one submission).

Conditions:
Inborn genetic diseases. Identifiers: MedGen C0950123, MeSH D030342.

Submission:

Ambry Genetics
Classification: Uncertain significance for Inborn genetic diseases. Last evaluated: 2026-05-14. Review status: criteria provided, single submitter. Criteria: Ambry Variant Classification Scheme 2023. Collection method: clinical testing. Allele origin: germline.
Comment: The p.Q374R variant (also known as c.1121A>G), located in coding exon 5 of the PIK3CA gene, results from an A to G substitution at nucleotide position 1121. The glutamine at codon 374 is replaced by arginine, an amino acid with highly similar properties. This amino acid position is conserved. In addition, the in silico prediction for this alteration is inconclusive. Based on the available evidence, the clinical significance of this variant remains unclear.